The following is an entry in ClinVar:

NM_016343.4(CENPF):c.303A>G (p.Glu101=)

Genes: CENPF (centromere protein F; plus strand), LOC126806006 (BRD4-independent group 4 enhancer GRCh37_chr1:214788162-214789361; plus strand). Cytogenetic location: 1q41.
Variant type: single nucleotide variant.
Coding change: c.303A>G on transcript NM_016343.4 (MANE Select); coding-DNA position 303, A replaced by G.
Protein change: p.Glu101=; no amino-acid change (glutamic acid 101 retained).
Molecular consequence: synonymous variant.
Genome position (GRCh38, 1-based): chr1:214,614,972, A>G. VCF-style: chr1-214614972-A-G. GRCh37 (hg19) VCF-style: chr1-214788315-A-G.
Identifiers: ClinVar variation 5041837 (VCV005041837.1).

ClinVar aggregate classification (germline): Likely benign (1 of 4 stars; one submission).

Submission:

CeGaT Center for Human Genetics Tuebingen
Classification: Likely benign. Last evaluated: 2026-09-01. Review status: criteria provided, single submitter. Criteria: CeGaT Center For Human Genetics Tuebingen Variant Classification Criteria Version 2. Collection method: clinical testing. Allele origin: germline. Affected: yes. Observed: 1 variant allele.
Comment: CENPF: PM2:Supporting, BP4, BP7